The following is an entry in ClinVar:

ClinVar aggregate classification (germline): Pathogenic. Review status: criteria provided, multiple submitters, no conflicts (2 of 4 stars). 3 submissions from 3 submitters: Pathogenic (2). 1 of the submissions does not count toward it. Last evaluated 2025-07-30.

Conditions:
Familial adenomatous polyposis 1 (FAP1). Also called: FAMILIAL ADENOMATOUS POLYPOSIS 1, ATTENUATED; POLYPOSIS, ADENOMATOUS INTESTINAL. Identifiers: MedGen C2713442, MONDO:0021056, OMIM 175100. Disease mechanism: loss of function.
Gardner syndrome (GS). Also called: Gardner's syndrome; Polyposis coli and multiple hard and soft tissue tumors; Intestinal polyposis, osteomas, sebaceous cysts. Identifiers: MedGen C0017097, MONDO:0019336. Disease mechanism: loss of function.
Familial multiple polyposis syndrome (FAP). Also called: Classic familial adenomatous polyposis; Familial polyposis; Familial adenomatous polyposis; Familial intestinal polyposis; Familial Adenomatous Polyposis (FAP). Identifiers: Orphanet 733, MedGen C0032580, MONDO:0021055. Disease mechanism: loss of function.

Submissions (3):

Labcorp Genetics (formerly Invitae), Labcorp
Classification: Pathogenic for Familial adenomatous polyposis 1. Last evaluated: 2025-07-30. Review status: criteria provided, single submitter. Criteria: Invitae Variant Classification Sherloc (09022015). Collection method: clinical testing. Allele origin: germline.
Comment: This sequence change creates a premature translational stop signal (p.Ser280*) in the APC gene. It is expected to result in an absent or disrupted protein product. Loss-of-function variants in APC are known to be pathogenic (PMID: 17963004, 20685668). This variant is not present in population databases (gnomAD no frequency). This premature translational stop signal has been observed in individual(s) with familial adenomatous polyposis (PMID: 1651563). ClinVar contains an entry for this variant (Variation ID: 799). For these reasons, this variant has been classified as Pathogenic.

Department of Pathology and Laboratory Medicine, Sinai Health System
Classification: Pathogenic for Familial multiple polyposis syndrome. Last evaluated: 2013-03-08. Review status: criteria provided, single submitter. Criteria: ACMG Guidelines, 2015. Collection method: clinical testing. Allele origin: germline. Affected: yes. Study: Canadian Open Genetics Repository (COGR).

OMIM
Classification: Pathogenic for GARDNER SYNDROME. Last evaluated: 1991-08-09. Review status: no assertion criteria provided. Collection method: literature only. Allele origin: germline. Not counted in ClinVar's aggregate classification.

Literature cited by the submitters: PubMed 17963004 (cited by Labcorp Genetics (formerly Invitae), Labcorp); PubMed 20685668 (cited by Labcorp Genetics (formerly Invitae), Labcorp); PubMed 1651563 (cited by Labcorp Genetics (formerly Invitae), Labcorp and OMIM).

NM_000038.6(APC):c.839C>G (p.Ser280Ter)

Gene: APC (APC regulator of Wnt signaling pathway; plus strand). Cytogenetic location: 5q22.2.
Variant type: single nucleotide variant.
Coding change: c.839C>G on transcript NM_000038.6 (MANE Select); coding-DNA position 839, C replaced by G.
Protein change: p.Ser280Ter; replaces serine 280 with a stop codon.
Molecular consequence: nonsense. On other transcripts: 5 prime UTR variant (1).
Genome position (GRCh38, 1-based): chr5:112,815,499, C>G. VCF-style: chr5-112815499-C-G. GRCh37 (hg19) VCF-style: chr5-112151196-C-G.
Other names: c.839C>G, p.Ser280Ter (NM_001127510.3, NM_001354895.2, NM_001354896.2 and 1 more transcripts); c.785C>G, p.Ser262Ter (NM_001127511.3); c.869C>G, p.Ser290Ter (NM_001354897.2, NM_001354902.2); c.764C>G, p.Ser255Ter (NM_001354898.2, NM_001354904.2); c.755C>G, p.Ser252Ter (NM_001354899.2); c.662C>G, p.Ser221Ter (NM_001354900.2, NM_001354901.2, NM_001354905.2); c.-11C>G (NM_001354906.2); short protein forms S280*, S262*, S255*, S290*, S221*, S252*.
Identifiers: ClinVar variation 799 (VCV000000799.13), dbSNP rs137854569, ClinGen allele CA015451.